The following is an entry in ClinVar:

ClinVar aggregate classification (germline): Conflicting classifications of pathogenicity. Review status: criteria provided, conflicting classifications (1 of 4 stars). 3 submissions from 3 submitters: Uncertain significance (2); Likely benign (1). Last evaluated 2023-11-27.

Allele frequency attached by ClinVar (database versions not stated): gnomAD 0.00001; gnomAD exomes 0.00002.
gnomAD v4.1: 13 of 1,613,878 alleles (0.00081%); highest among the groups gnomAD compares: East Asian, 0.027%; no homozygotes.

Submissions (3):

Labcorp Genetics (formerly Invitae), Labcorp
Classification: Likely benign. Last evaluated: 2023-11-27. Review status: criteria provided, single submitter. Criteria: Invitae Variant Classification Sherloc (09022015). Collection method: clinical testing. Allele origin: germline.

Women's Health and Genetics/Laboratory Corporation of America, LabCorp
Classification: Uncertain significance. Last evaluated: 2023-07-07. Review status: criteria provided, single submitter. Criteria: LabCorp Variant Classification Summary - May 2015. Collection method: clinical testing. Allele origin: germline.
Comment: Variant summary: ADGRV1 c.7307T>G (p.Leu2436Arg) results in a non-conservative amino acid change in the encoded protein sequence. Three of five in-silico tools predict a benign effect of the variant on protein function. The variant allele was found at a frequency of 1.2e-05 in 248840 control chromosomes (gnomAD). The available data on variant occurrences in the general population are insufficient to allow any conclusion about variant significance. c.7307T>G has been reported in the literature in an individual affected with Retinitis Pigmentosa (example: Liu_2021). These report(s) do not provide unequivocal conclusions about association of the variant with Usher Syndrome. To our knowledge, no experimental evidence demonstrating an impact on protein function has been reported. The following publication has been ascertained in the context of this evaluation (PMID: 33090715). One submitter has cited clinical-significance assessments for this variant to ClinVar after 2014 and has classified the variant as likely benign. Based on the evidence outlined above, the variant was classified as uncertain significance.

Blueprint Genetics
Classification: Uncertain significance. Last evaluated: 2022-03-14. Review status: criteria provided, single submitter. Criteria: ACMG Guidelines, 2015. Collection method: clinical testing. Allele origin: germline.

Literature cited by the submitters: PubMed 33090715 (cited by Women's Health and Genetics/Laboratory Corporation of America, LabCorp).

NM_032119.4(ADGRV1):c.7307T>G (p.Leu2436Arg)

Gene: ADGRV1 (adhesion G protein-coupled receptor V1; plus strand). Cytogenetic location: 5q14.3.
Variant type: single nucleotide variant.
Coding change: c.7307T>G on transcript NM_032119.4 (MANE Select); coding-DNA position 7307, T replaced by G.
Protein change: p.Leu2436Arg; replaces leucine 2436 with arginine.
Molecular consequence: missense variant. On other transcripts: non-coding transcript variant (1).
Genome position (GRCh38, 1-based): chr5:90,694,063, T>G. VCF-style: chr5-90694063-T-G. GRCh37 (hg19) VCF-style: chr5-89989880-T-G.
Other names: c.7307T>G (NM_032119.3); short protein forms L2436R.
Identifiers: ClinVar variation 1943970 (VCV001943970.7), dbSNP rs762909195, ClinGen allele CA360376065.